The following is an entry in ClinVar:

ClinVar aggregate classification (germline): Benign (1 of 4 stars; one submission).

Conditions:
Neuroblastoma (NB). Identifiers: Orphanet 635, MedGen C0027819, MeSH D009447, MONDO:0005072, HP:0003006.

Allele frequency attached by ClinVar (database versions not stated): gnomAD below 0.00001; gnomAD exomes 0.00006; 1000 Genomes Project 30x 0.00141; 1000 Genomes Project 0.00160.
gnomAD v4.1: 33 of 186,426 alleles (0.018%); highest among the groups gnomAD compares: South Asian, 0.64%; no homozygotes.

Submission:

Illumina Laboratory Services, Illumina
Classification: Benign for Neuroblastoma. Last evaluated: 2018-01-13. Review status: criteria provided, single submitter. Criteria: ICSL Variant Classification Criteria 13 December 2019. Collection method: clinical testing. Allele origin: germline.
Comment: This variant was observed in the ICSL laboratory as part of a predisposition screen in an ostensibly healthy population. It had not been previously curated by ICSL or reported in the Human Gene Mutation Database (HGMD: prior to June 1st, 2018), and was therefore a candidate for classification through an automated scoring system. Utilizing variant allele frequency, disease prevalence and penetrance estimates, and inheritance mode, an automated score was calculated to assess if this variant is too frequent to cause the disease. Based on the score and internal cut-off values, a variant classified as benign is not then subjected to further curation. The score for this variant resulted in a classification of benign for this disease.

NM_001365951.3(KIF1B):c.*3857G>A

Gene: KIF1B (kinesin family member 1B; plus strand). Cytogenetic location: 1p36.22.
Variant type: single nucleotide variant.
Coding change: c.*3857G>A on transcript NM_001365951.3 (MANE Select); 3857 bases downstream of the stop codon, G replaced by A.
Molecular consequence: 3 prime UTR variant.
Genome position (GRCh38, 1-based): chr1:10,380,444, G>A. VCF-style: chr1-10380444-G-A. GRCh37 (hg19) VCF-style: chr1-10440502-G-A.
Other names: c.*3857G>A (NM_001365952.1, NM_015074.3).
Identifiers: ClinVar variation 291651 (VCV000291651.5), dbSNP rs536529721, ClinGen allele CA10607268.